The following is an entry in ClinVar:

ClinVar aggregate classification (germline): Uncertain significance (1 of 4 stars; one submission).

Submission:

CeGaT Center for Human Genetics Tuebingen
Classification: Uncertain significance. Last evaluated: 2024-08-01. Review status: criteria provided, single submitter. Criteria: CeGaT Center For Human Genetics Tuebingen Variant Classification Criteria Version 2. Collection method: clinical testing. Allele origin: germline. Affected: yes. Observed: 2 variant alleles.
Comment: STAT3: PM2, PP4

NM_139276.3(STAT3):c.1866_1881del (p.Trp623fs)

Gene: STAT3 (signal transducer and activator of transcription 3; minus strand). Cytogenetic location: 17q21.2.
Variant type: Deletion.
Coding change: c.1866_1881del on transcript NM_139276.3 (MANE Select); coding-DNA positions 1866 to 1881, 16 bases deleted (TTGGGTGGAGAAGGAC).
Protein change: p.Trp623fs; shifts the reading frame from tryptophan 623.
Molecular consequence: frameshift variant.
Genome position (GRCh38, 1-based): chr17:42,323,011-42,323,026, GTCCTTCTCCACCCAA deleted on the plus strand (TTGGGTGGAGAAGGAC on the coding strand, the reverse complement: STAT3 is on the minus strand); deleting any 16 consecutive bases within chr17:42,323,011-42,323,028 gives the same sequence; the c. name uses the placement nearest the transcript's 3' end. VCF-style (leftmost placement, unchanged base first): chr17-42323010-TGTCCTTCTCCACCCAA-T. GRCh37 (hg19) VCF-style: chr17-40475028-TGTCCTTCTCCACCCAA-T.
Other names: c.1866_1881del, p.Trp623fs (NM_001369512.1, NM_001369513.1, NM_001369514.1 and 9 more transcripts); c.1782_1797del, p.Trp595fs (NM_001384984.1); c.1788_1803del, p.Trp597fs (NM_001384985.1); c.1881_1896del, p.Trp628fs (NM_001384986.1, NM_001384990.1); c.1845_1860del, p.Trp616fs (NM_001384987.1); c.1770_1785del, p.Trp591fs (NM_001384989.1); c.1839_1854del, p.Trp614fs (NM_001384991.1); c.1806_1821del, p.Trp603fs (NM_001384992.1); short protein forms W591fs, W595fs, W597fs, W603fs, W614fs, W616fs, W623fs, W628fs.
Identifiers: ClinVar variation 3251208 (VCV003251208.18), dbSNP rs2509210680.